The following is an entry in ClinVar:

ClinVar aggregate classification (germline): Likely benign. Review status: criteria provided, single submitter (1 of 4 stars). 2 submissions from 2 submitters: Likely benign (1). 1 of the submissions does not count toward it. Last evaluated 2022-07-04.

Conditions:
SETX-related disorder. Also called: SETX-related disorders; SETX-related condition. Identifiers: MedGen CN239403.

Submissions (3):

Blueprint Genetics
Classification: Likely benign. Last evaluated: 2022-07-04. Review status: criteria provided, single submitter. Criteria: ACMG Guidelines, 2015. Collection method: clinical testing. Allele origin: germline.

PreventionGenetics, part of Exact Sciences
Classification: Likely benign for SETX-related condition. Last evaluated: 2019-09-11. Review status: no assertion criteria provided. Collection method: clinical testing. Allele origin: germline. Not counted in ClinVar's aggregate classification.
Comment: This variant is classified as likely benign based on ACMG/AMP sequence variant interpretation guidelines (Richards et al. 2015 PMID: 25741868, with internal and published modifications).

Dr. Peter K. Rogan Lab, Western University
No classification provided (evidence only). Condition: Uterine carcinosarcoma. Review status: no classification provided. Collection method: in vitro. Allele origin: not applicable. Functional consequence: retained intron. Not counted in ClinVar's aggregate classification.

NM_015046.7(SETX):c.6843-6_6843-5del

Gene: SETX (senataxin; minus strand). Cytogenetic location: 9q34.13.
Variant type: Deletion.
Coding change: c.6843-6_6843-5del on transcript NM_015046.7 (MANE Select); 6 bases into the intron before coding-DNA position 6843 through 5 bases into the intron before coding-DNA position 6843, 2 bases deleted (TT; older notation c.6843-6_6843-5delTT).
Molecular consequence: intron variant.
Genome position (GRCh38, 1-based): chr9:132,277,157-132,277,158, AA deleted on the plus strand (TT on the coding strand, the reverse complement: SETX is on the minus strand); deleting any 2 consecutive bases within chr9:132,277,157-132,277,168 gives the same sequence; the c. name uses the placement nearest the transcript's 3' end. VCF-style (leftmost placement, unchanged base first): chr9-132277156-TAA-T. GRCh37 (hg19) VCF-style: chr9-135152543-TAA-T.
Other names: NC_000009.11:g.135152554_135152555del; c.6843-16_6843-15del (NM_015046.7); c.6843-6_6843-5del (NM_001351528.2, NM_001351527.2).
Identifiers: ClinVar variation 3049505 (VCV003049505.4), dbSNP rs34769225, ClinGen allele CA5296588.
Genomic context (GRCh38, chr9:132,277,156, plus strand): 5'-AACACAAGGTATGGCTGAAATGGCCAATCTGATGAACATCGAATGGCTTCTGTCTGTCTG[TAA>T]AAAAAAAAAAGCAGTCAACATTCAGAATAAAGTCAAGATTTAAGAAAATATCTTGGTATT-3'